The following is an entry in ClinVar:

ClinVar aggregate classification (germline): Uncertain significance (1 of 4 stars; one submission).

Conditions:
Sandhoff disease. Also called: GM2-GANGLIOSIDOSIS, TYPE II; HEXOSAMINIDASES A AND B DEFICIENCY; Beta-hexosaminidase-beta-subunit deficiency; GM2 gangliosidosis, type 2; Total hexosaminidase deficiency; Sandhoff-Jatzkewitz-Pilz disease. Identifiers: Orphanet 796, MedGen C0036161, MONDO:0010006, OMIM 268800.

Submission:

3billion
Classification: Uncertain significance for Sandhoff disease. Last evaluated: 2025-06-16. Review status: criteria provided, single submitter. Criteria: ACMG Guidelines, 2015. Collection method: clinical testing. Allele origin: germline. Affected: yes.
Comment: The variant is not observed in the gnomAD v4.1.0 dataset. Predicted Consequence/Location: Missense variant. The majority of the known disease-causing variants of this gene are variants expected to result in premature termination of the protein. In silico tool predictions suggest damaging effect of the variant on gene or gene product [REVEL: 0.94 (>=0.6, sensitivity 0.68 and specificity 0.92)]. Therefore, this variant is classified as VUS according to the recommendation of ACMG/AMP guideline.

NM_000521.4(HEXB):c.971C>G (p.Pro324Arg)

Gene: HEXB (hexosaminidase subunit beta; plus strand). Cytogenetic location: 5q13.3.
Variant type: single nucleotide variant.
Coding change: c.971C>G on transcript NM_000521.4 (MANE Select); coding-DNA position 971, C replaced by G.
Protein change: p.Pro324Arg; replaces proline 324 with arginine.
Molecular consequence: missense variant.
Genome position (GRCh38, 1-based): chr5:74,715,579, C>G. VCF-style: chr5-74715579-C-G. GRCh37 (hg19) VCF-style: chr5-74011404-C-G.
Other names: c.296C>G, p.Pro99Arg (NM_001292004.2); short protein forms P324R, P99R.
Identifiers: ClinVar variation 4855079 (VCV004855079.1).